The following is an entry in ClinVar:

ClinVar aggregate classification (germline): Uncertain significance. Review status: criteria provided, multiple submitters, no conflicts (2 of 4 stars). 3 submissions from 3 submitters: Uncertain significance (3). Last evaluated 2025-02-11.

Conditions:
Hereditary cancer-predisposing syndrome. Also called: Neoplastic Syndromes, Hereditary; Tumor predisposition; Hereditary neoplastic syndrome; Hereditary Cancer Syndrome. Identifiers: Orphanet 140162, MedGen C0027672, MeSH D009386, MONDO:0015356.
Familial adenomatous polyposis 1 (FAP1). Also called: FAMILIAL ADENOMATOUS POLYPOSIS 1, ATTENUATED; POLYPOSIS, ADENOMATOUS INTESTINAL. Identifiers: MedGen C2713442, MONDO:0021056, OMIM 175100. Disease mechanism: loss of function.

Allele frequency attached by ClinVar (database versions not stated): gnomAD exomes below 0.00001.
gnomAD v4.1: 1 of 1,614,232 alleles (0.000062%); highest among the groups gnomAD compares: Non-Finnish European, 0.000085%; no homozygotes.

Submissions (3):

Labcorp Genetics (formerly Invitae), Labcorp
Classification: Uncertain significance for Familial adenomatous polyposis 1. Last evaluated: 2025-02-11. Review status: criteria provided, single submitter. Criteria: Invitae Variant Classification Sherloc (09022015). Collection method: clinical testing. Allele origin: germline.
Comment: This sequence change replaces aspartic acid, which is acidic and polar, with asparagine, which is neutral and polar, at codon 917 of the APC protein (p.Asp917Asn). This variant is not present in population databases (gnomAD no frequency). This variant has not been reported in the literature in individuals affected with APC-related conditions. ClinVar contains an entry for this variant (Variation ID: 580260). Invitae Evidence Modeling of protein sequence and biophysical properties (such as structural, functional, and spatial information, amino acid conservation, physicochemical variation, residue mobility, and thermodynamic stability) indicates that this missense variant is not expected to disrupt APC protein function with a negative predictive value of 95%. In summary, the available evidence is currently insufficient to determine the role of this variant in disease. Therefore, it has been classified as a Variant of Uncertain Significance.

Ambry Genetics
Classification: Uncertain significance for Hereditary cancer-predisposing syndrome. Last evaluated: 2024-02-22. Review status: criteria provided, single submitter. Criteria: Ambry Variant Classification Scheme 2023. Collection method: clinical testing. Allele origin: germline.
Comment: The p.D917N variant (also known as c.2749G>A), located in coding exon 15 of the APC gene, results from a G to A substitution at nucleotide position 2749. The aspartic acid at codon 917 is replaced by asparagine, an amino acid with highly similar properties. This amino acid position is not well conserved in available vertebrate species. In addition, in silico predictors for this gene do not accurately predict pathogenicity. Since supporting evidence is limited at this time, the clinical significance of this alteration remains unclear.

GeneDx
Classification: Uncertain significance. Last evaluated: 2021-02-22. Review status: criteria provided, single submitter. Criteria: GeneDx Variant Classification Process June 2021. Collection method: clinical testing. Allele origin: germline. Affected: yes.
Comment: Not observed in large population cohorts (Lek 2016); In silico analysis supports that this missense variant does not alter protein structure/function; Has not been previously published as pathogenic or benign to our knowledge

NM_000038.6(APC):c.2749G>A (p.Asp917Asn)

Gene: APC (APC regulator of Wnt signaling pathway; plus strand). Cytogenetic location: 5q22.2.
Variant type: single nucleotide variant.
Coding change: c.2749G>A on transcript NM_000038.6 (MANE Select); coding-DNA position 2749, G replaced by A.
Protein change: p.Asp917Asn; replaces aspartic acid 917 with asparagine.
Molecular consequence: missense variant.
Genome position (GRCh38, 1-based): chr5:112,838,343, G>A. VCF-style: chr5-112838343-G-A. GRCh37 (hg19) VCF-style: chr5-112174040-G-A.
Other names: c.2749G>A, p.Asp917Asn (NM_001127510.3, NM_001354895.2); c.2695G>A, p.Asp899Asn (NM_001127511.3); c.2803G>A, p.Asp935Asn (NM_001354896.2); c.2779G>A, p.Asp927Asn (NM_001354897.2); c.2674G>A, p.Asp892Asn (NM_001354898.2); c.2665G>A, p.Asp889Asn (NM_001354899.2); c.2626G>A, p.Asp876Asn (NM_001354900.2); c.2572G>A, p.Asp858Asn (NM_001354901.2); and 5 more; short protein forms D899N, D917N, D757N, D791N, D858N, D876N, D889N, D927N.
Identifiers: ClinVar variation 580260 (VCV000580260.19), dbSNP rs1561579402, ClinGen allele CA16027325.
Genomic context (GRCh38, chr5:112,838,343, plus strand): 5'-ATTCATACCTCTCAGGAAGACAGAAGTTCTGGGTCTACCACTGAATTACATTGTGTGACA[G>A]ATGAGAGAAATGCACTTAGAAGAAGCTCTGCTGCCCATACACATTCAAACACTTACAATT-3'
Protein context (NP_000029.2, residues 907-927): GSTTELHCVT[Asp917Asn]ERNALRRSSA